The following is an entry in ClinVar:

ClinVar aggregate classification (germline): Conflicting classifications of pathogenicity. Review status: criteria provided, conflicting classifications (1 of 4 stars). 2 submissions from 2 submitters: Uncertain significance (1); Likely benign (1). Last evaluated 2025-10-29.

Conditions:
Facioscapulohumeral muscular dystrophy 2 (FSHD2). Also called: FACIOSCAPULOHUMERAL MUSCULAR DYSTROPHY 2, DIGENIC; FSHD2, DIGENIC; MUSCULAR DYSTROPHY, FACIOSCAPULOHUMERAL, TYPE 1B. Identifiers: Orphanet 269, MedGen C1834671, MONDO:0008031, OMIM 158901.
Inborn genetic diseases. Identifiers: MedGen C0950123, MeSH D030342.

Allele frequency attached by ClinVar (database versions not stated): ExAC 0.00004; TOPMed 0.00008; gnomAD 0.00011.
gnomAD v4.1: 42 of 1,592,336 alleles (0.0026%); highest among the groups gnomAD compares: African/African-American, 0.025%; no homozygotes.

Submissions (2):

Labcorp Genetics (formerly Invitae), Labcorp
Classification: Uncertain significance for Facioscapulohumeral muscular dystrophy 2. Last evaluated: 2025-10-29. Review status: criteria provided, single submitter. Criteria: Invitae Variant Classification Sherloc (09022015). Collection method: clinical testing. Allele origin: germline.
Comment: This sequence change replaces arginine, which is basic and polar, with histidine, which is basic and polar, at codon 1934 of the SMCHD1 protein (p.Arg1934His). The frequency data for this variant in the population databases is considered unreliable, as metrics indicate poor data quality at this position in the gnomAD database. This variant has not been reported in the literature in individuals affected with SMCHD1-related conditions. ClinVar contains an entry for this variant (Variation ID: 2148313). Invitae Evidence Modeling of protein sequence and biophysical properties (such as structural, functional, and spatial information, amino acid conservation, physicochemical variation, residue mobility, and thermodynamic stability) indicates that this missense variant is not expected to disrupt SMCHD1 protein function with a negative predictive value of 80%. In summary, the available evidence is currently insufficient to determine the role of this variant in disease. Therefore, it has been classified as a Variant of Uncertain Significance.

Ambry Genetics
Classification: Likely benign for Inborn genetic diseases. Last evaluated: 2021-08-13. Review status: criteria provided, single submitter. Criteria: Ambry Variant Classification Scheme 2023. Collection method: clinical testing. Allele origin: germline.

NM_015295.3(SMCHD1):c.5801G>A (p.Arg1934His)

Gene: SMCHD1 (structural maintenance of chromosomes flexible hinge domain containing 1; plus strand). Cytogenetic location: 18p11.32.
Variant type: single nucleotide variant.
Coding change: c.5801G>A on transcript NM_015295.3 (MANE Select); coding-DNA position 5801, G replaced by A.
Protein change: p.Arg1934His; replaces arginine 1934 with histidine.
Molecular consequence: missense variant.
Genome position (GRCh38, 1-based): chr18:2,796,030, G>A. VCF-style: chr18-2796030-G-A. GRCh37 (hg19) VCF-style: chr18-2796028-G-A.
Other names: c.5801G>A (NM_015295.2); short protein forms R1934H.
Identifiers: ClinVar variation 2148313 (VCV002148313.5), dbSNP rs779941077, ClinGen allele CA8871795.